The following is an entry in ClinVar:

ClinVar aggregate classification (germline): Pathogenic (1 of 4 stars; one submission).

Conditions:
Familial cancer of breast. Also called: BREAST CANCER, FAMILIAL; Hereditary breast cancer; hereditary breast carcinoma. Identifiers: Orphanet 227535, MedGen C0346153, MONDO:0016419, OMIM 114480. Disease mechanism: loss of function.

Submission:

Myriad Genetics, Inc.
Classification: Pathogenic for Familial cancer of breast. Last evaluated: 2024-01-09. Review status: criteria provided, single submitter. Criteria: Myriad Autosomal Dominant, Autosomal Recessive and X-Linked Classification Criteria (2023). Collection method: clinical testing. Allele origin: unknown.
Comment: This variant is considered pathogenic. This variant creates a frameshift predicted to result in premature protein truncation.

NM_000051.4(ATM):c.552_553del (p.Arg184fs)

Gene: ATM (ATM serine/threonine kinase; plus strand). Cytogenetic location: 11q22.3.
Variant type: Microsatellite.
Coding change: c.552_553del on transcript NM_000051.4 (MANE Select); coding-DNA positions 552 to 553, 2 bases deleted (AG; older notation c.552_553delAG).
Protein change: p.Arg184fs; shifts the reading frame from arginine 184.
Molecular consequence: frameshift variant.
Genome position (GRCh38, 1-based): chr11:108,244,008-108,244,009, AG deleted; deleting any 2 consecutive bases within chr11:108,244,006-108,244,009 gives the same sequence; the c. name uses the placement nearest the transcript's 3' end. VCF-style (leftmost placement, unchanged base first): chr11-108244005-TAG-T. GRCh37 (hg19) VCF-style: chr11-108114732-TAG-T.
Other names: c.552_553del, p.Arg184fs (NM_001351834.2); short protein forms R184fs.
Identifiers: ClinVar variation 3148598 (VCV003148598.1), dbSNP rs2497130668, ClinGen allele CA2825001752.